The following is an entry in ClinVar:

ClinVar aggregate classification (germline): Pathogenic/Likely pathogenic. Review status: criteria provided, multiple submitters, no conflicts (2 of 4 stars). 5 submissions from 5 submitters: Pathogenic (3); Likely pathogenic (2). Last evaluated 2025-02-16.

Conditions:
Hearing impairment. Also called: Impaired Hearing. Identifiers: MedGen C1384666, MONDO:0005365, HP:0000365.
Autosomal recessive nonsyndromic hearing loss 3. Also called: NEUROSENSORY NONSYNDROMIC RECESSIVE DEAFNESS 3. Identifiers: Orphanet 90636, MedGen C1838263, MONDO:0010860, OMIM 600316.

Allele frequency attached by ClinVar (database versions not stated): gnomAD 0.00001; TOPMed 0.00001; gnomAD exomes 0.00002; ExAC 0.00009.
gnomAD v4.1: 29 of 1,550,356 alleles (0.0019%); highest among the groups gnomAD compares: Non-Finnish European, 0.0023%; no homozygotes.

Submissions (5):

Laboratory of Genetics, Children's Clinical University Hospital Latvia
Classification: Pathogenic. Last evaluated: 2025-02-16. Review status: criteria provided, single submitter. Criteria: ACMG Guidelines, 2015. Collection method: clinical testing. Allele origin: germline. Affected: yes.

CeGaT Center for Human Genetics Tuebingen
Classification: Pathogenic. Last evaluated: 2025-01-01. Review status: criteria provided, single submitter. Criteria: CeGaT Center For Human Genetics Tuebingen Variant Classification Criteria Version 2. Collection method: clinical testing. Allele origin: germline. Affected: yes. Observed: 1 variant allele.
Comment: MYO15A: PVS1, PM2, PM3

Labcorp Genetics (formerly Invitae), Labcorp
Classification: Pathogenic. Last evaluated: 2023-02-26. Review status: criteria provided, single submitter. Criteria: Invitae Variant Classification Sherloc (09022015). Collection method: clinical testing. Allele origin: germline.
Comment: For these reasons, this variant has been classified as Pathogenic. This sequence change creates a premature translational stop signal (p.Arg893*) in the MYO15A gene. It is expected to result in an absent or disrupted protein product. Loss-of-function variants in MYO15A are known to be pathogenic (PMID: 17546645). This variant is present in population databases (rs763075073, gnomAD 0.007%). This variant has not been reported in the literature in individuals affected with MYO15A-related conditions. ClinVar contains an entry for this variant (Variation ID: 932024).

Department of Otolaryngology – Head & Neck Surgery, Cochlear Implant Center
Classification: Likely pathogenic for Hearing impairment. Last evaluated: 2021-04-12. Review status: criteria provided, single submitter. Criteria: ClinGen HL ACMG Specifications v1. Collection method: clinical testing. Allele origin: germline. Affected: yes.
Comment: PVS1_Strong, PM2_Moderate, PM3_Moderate, PP1_Supporting

Centre for Mendelian Genomics, University Medical Centre Ljubljana
Classification: Likely pathogenic for Autosomal recessive nonsyndromic hearing loss 3. Last evaluated: 2016-01-01. Review status: criteria provided, single submitter. Criteria: ACMG Guidelines, 2015. Collection method: clinical testing. Allele origin: unknown. Affected: yes.
Comment: This variant was classified as: Likely pathogenic. The following ACMG criteria were applied in classifying this variant: PVS1,PM2.

Literature cited by the submitters: PubMed 17546645 (cited by Labcorp Genetics (formerly Invitae), Labcorp).

NM_016239.4(MYO15A):c.2677C>T (p.Arg893Ter)

Gene: MYO15A (myosin XVA; plus strand). Cytogenetic location: 17p11.2.
Variant type: single nucleotide variant.
Coding change: c.2677C>T on transcript NM_016239.4 (MANE Select); coding-DNA position 2677, C replaced by T.
Protein change: p.Arg893Ter; replaces arginine 893 with a stop codon.
Molecular consequence: nonsense.
Genome position (GRCh38, 1-based): chr17:18,121,477, C>T. VCF-style: chr17-18121477-C-T. GRCh37 (hg19) VCF-style: chr17-18024791-C-T.
Other names: short protein forms R893*.
Identifiers: ClinVar variation 932024 (VCV000932024.23), dbSNP rs763075073, ClinGen allele CA8423284.